The following is an entry in ClinVar:

ClinVar aggregate classification (germline): Uncertain significance (1 of 4 stars; one submission).

Submission:

Labcorp Genetics (formerly Invitae), Labcorp
Classification: Uncertain significance. Last evaluated: 2023-02-14. Review status: criteria provided, single submitter. Criteria: Invitae Variant Classification Sherloc (09022015). Collection method: clinical testing. Allele origin: germline.
Comment: In summary, the available evidence is currently insufficient to determine the role of this variant in disease. Therefore, it has been classified as a Variant of Uncertain Significance. Advanced modeling of protein sequence and biophysical properties (such as structural, functional, and spatial information, amino acid conservation, physicochemical variation, residue mobility, and thermodynamic stability) performed at Invitae indicates that this missense variant is not expected to disrupt GNB1 protein function. This variant has not been reported in the literature in individuals affected with GNB1-related conditions. This variant is not present in population databases (gnomAD no frequency). This sequence change replaces alanine, which is neutral and non-polar, with threonine, which is neutral and polar, at codon 309 of the GNB1 protein (p.Ala309Thr).

NM_002074.5(GNB1):c.925G>A (p.Ala309Thr)

Gene: GNB1 (G protein subunit beta 1; minus strand). Cytogenetic location: 1p36.33.
Variant type: single nucleotide variant.
Coding change: c.925G>A on transcript NM_002074.5 (MANE Select); coding-DNA position 925, G replaced by A.
Protein change: p.Ala309Thr; replaces alanine 309 with threonine.
Molecular consequence: missense variant.
Genome position (GRCh38, 1-based): chr1:1,787,429, C>T on the plus strand (G>A on the coding strand, the complement: GNB1 is on the minus strand). VCF-style: chr1-1787429-C-T. GRCh37 (hg19) VCF-style: chr1-1718868-C-T.
Other names: c.625G>A, p.Ala209Thr (NM_001282538.2); c.925G>A, p.Ala309Thr (NM_001282539.2); short protein forms A309T, A209T.
Identifiers: ClinVar variation 3001437 (VCV003001437.3), dbSNP rs370929812, ClinGen allele CA16818092.